The following is an entry in ClinVar:

ClinVar aggregate classification (germline): Pathogenic (1 of 4 stars; one submission).

Conditions:
Neuromuscular disease caused by qualitative or quantitative defects of dysferlin. Also called: Qualitative or quantitative defects of dysferlin; Dysferlinopathy. Identifiers: Orphanet 207073, MedGen C2931687, MONDO:0016145.

Submission:

Labcorp Genetics (formerly Invitae), Labcorp
Classification: Pathogenic for Neuromuscular disease caused by qualitative or quantitative defects of dysferlin. Last evaluated: 2021-09-17. Review status: criteria provided, single submitter. Criteria: Invitae Variant Classification Sherloc (09022015). Collection method: clinical testing. Allele origin: germline.
Comment: For these reasons, this variant has been classified as Pathogenic. This variant disrupts a region of the DYSF protein in which other variant(s) (p.Arg253Trp) have been determined to be pathogenic (PMID: 16010686, 18853459, 25868377, 27666772, 30919934; Invitae). This suggests that this is a clinically significant region of the protein, and that variants that disrupt it are likely to be disease-causing. This variant has not been reported in the literature in individuals affected with DYSF-related conditions. This variant results in the deletion of exons 7-11 and part of exon 6 (c.579_1053+1771del) of the DYSF gene. It is expected to disrupt RNA splicing. Variants that disrupt the donor or acceptor splice site typically lead to a loss of protein function (PMID: 16199547), and loss-of-function variants in DYSF are known to be pathogenic (PMID: 17698709, 20301480).

Literature cited by the submitters: PubMed 16010686; PubMed 18853459; PubMed 25868377; PubMed 27666772; PubMed 30919934; PubMed 16199547; PubMed 17698709; PubMed 20301480.

NC_000002.11:g.(?_71740967)_(71749805_?)del

Gene: DYSF (dysferlin; plus strand). Cytogenetic location: 2p13.2.
Variant type: Deletion.
Identifiers: ClinVar variation 1458189 (VCV001458189.4).